The following is an entry in ClinVar:

ClinVar aggregate classification (germline): Uncertain significance (1 of 4 stars; one submission).

Submission:

GeneDx
Classification: Uncertain significance. Last evaluated: 2019-12-20. Review status: criteria provided, single submitter. Criteria: GeneDx Variant Classification Process June 2021. Collection method: clinical testing. Allele origin: germline. Affected: yes.
Comment: Not observed in large population cohorts (Lek et al., 2016); In silico analysis, which includes protein predictors and evolutionary conservation, supports that this variant does not alter protein structure/function; Has not been previously published as pathogenic or benign to our knowledge; Variants in candidate genes are classified as variants of uncertain significance in accordance with ACMG guidelines (Richards et al., 2015)

NM_015465.5(GEMIN5):c.2321A>G (p.Glu774Gly)

Gene: GEMIN5 (gem nuclear organelle associated protein 5; minus strand). Cytogenetic location: 5q33.2.
Variant type: single nucleotide variant.
Coding change: c.2321A>G on transcript NM_015465.5 (MANE Select); coding-DNA position 2321, A replaced by G.
Protein change: p.Glu774Gly; replaces glutamic acid 774 with glycine.
Molecular consequence: missense variant.
Genome position (GRCh38, 1-based): chr5:154,907,665, T>C on the plus strand (A>G on the coding strand, the complement: GEMIN5 is on the minus strand). VCF-style: chr5-154907665-T-C. GRCh37 (hg19) VCF-style: chr5-154287225-T-C.
Other names: c.2318A>G, p.Glu773Gly (NM_001252156.2); short protein forms E773G, E774G.
Identifiers: ClinVar variation 1318534 (VCV001318534.2), dbSNP rs2113476192, ClinGen allele CA361959763.